The following is an entry in ClinVar:

ClinVar aggregate classification (germline): Pathogenic. Review status: criteria provided, multiple submitters, no conflicts (2 of 4 stars). 3 submissions from 3 submitters: Pathogenic (2). 1 of the submissions does not count toward it. Last evaluated 2025-03-31.

Conditions:
Tay-Sachs disease (TSD). Also called: HEXA DEFICIENCY; Hexosaminidase A Deficiency; HEXA Disorders; GM2 gangliosidosis, type 1; Hexosaminidase alpha-subunit deficiency (variant B); Sphingolipidosis, Tay-Sachs. Identifiers: Orphanet 845, MedGen C0039373, MONDO:0010100, OMIM 272800.

Submissions (3):

Natera, Inc.
Classification: Pathogenic for Tay-Sachs disease. Last evaluated: 2025-03-31. Review status: criteria provided, single submitter. Criteria: Natera Variant Classification Schema (03/2026). Collection method: clinical testing. Allele origin: germline.
Comment: The c.1510delC variant in HEXA is a frameshift variant predicted to shift the reading frame beginning at codon 504 and leads to a stop codon 5 codons downstream. This variant is expected to result in nonsense mediated decay, truncation, or a dysfunctional protein product. This variant is rare in the general population with a frequency below the threshold expected for the associated phenotype(s). This variant has been observed in one or more individuals affected with the associated recessive disease, as either homozygous or compound heterozygous with a second variant (PMID: 2531748, 16088929, 17015493). Given the available evidence, this variant is classified as Pathogenic.

Labcorp Genetics (formerly Invitae), Labcorp
Classification: Pathogenic for Tay-Sachs disease. Last evaluated: 2021-09-09. Review status: criteria provided, single submitter. Criteria: Invitae Variant Classification Sherloc (09022015). Collection method: clinical testing. Allele origin: germline.
Comment: This sequence change creates a premature translational stop signal (p.Arg504Alafs*5) in the HEXA gene. While this is not anticipated to result in nonsense mediated decay, it is expected to disrupt the last 26 amino acid(s) of the HEXA protein. This variant is not present in population databases (ExAC no frequency). This premature translational stop signal has been observed in individual(s) with Tay-Sachs disease (PMID: 2531748, 16088929, 17237499). ClinVar contains an entry for this variant (Variation ID: 3894). For these reasons, this variant has been classified as Pathogenic.

OMIM
Classification: Pathogenic for TAY-SACHS DISEASE. Last evaluated: 1989-12-15. Review status: no assertion criteria provided. Collection method: literature only. Allele origin: germline. Not counted in ClinVar's aggregate classification.

Literature cited by the submitters: PubMed 2531748 (cited by 3 submitters); PubMed 16088929 (cited by Natera, Inc. and Labcorp Genetics (formerly Invitae), Labcorp); PubMed 17015493 (cited by Natera, Inc.); PubMed 17237499 (cited by Labcorp Genetics (formerly Invitae), Labcorp); PubMed 2954459 (cited by OMIM).

NM_000520.6(HEXA):c.1510del (p.Arg504fs)

Gene: HEXA (hexosaminidase subunit alpha; minus strand). Cytogenetic location: 15q23.
Variant type: Deletion.
Coding change: c.1510del on transcript NM_000520.6 (MANE Select); coding-DNA position 1510, one base deleted (C; older notation c.1510delC).
Protein change: p.Arg504fs; shifts the reading frame from arginine 504.
Molecular consequence: frameshift variant. On other transcripts: non-coding transcript variant (1).
Genome position (GRCh38, 1-based): chr15:72,345,462, G deleted on the plus strand (C on the coding strand, the reverse complement: HEXA is on the minus strand); the first of 2 consecutive G bases (chr15:72,345,462-72,345,463); deleting either gives the same sequence. VCF-style (leftmost placement, unchanged base first): chr15-72345461-CG-C. GRCh37 (hg19) VCF-style: chr15-72637802-CG-C.
Other names: c.1543del, p.Arg515fs (NM_001318825.2); c.1510delC (NM_000520.5); short protein forms R504fs, R515fs.
Identifiers: ClinVar variation 3894 (VCV000003894.178), dbSNP rs797044433, ClinGen allele CA252908.
Genomic context (GRCh38, chr15:72,345,461, plus strand): 5'-GGATCTGGCCTGCTCCGCCTTGCGAAGGCCCCACAGCTTGCTTACCTCAGCAATTCACAG[CG>C]GAAGTGTGACAAACGTTCATAGGCAAATGTCAGGTCAGATGTCAACTTGTTGCTCCACAG-3'